The following is an entry in ClinVar:

ClinVar aggregate classification (germline): Uncertain significance (1 of 4 stars; one submission).

Submission:

GeneDx
Classification: Uncertain significance. Last evaluated: 2023-11-27. Review status: criteria provided, single submitter. Criteria: GeneDx Variant Classification Process June 2021. Collection method: clinical testing. Allele origin: germline. Affected: yes.
Comment: Not observed at significant frequency in large population cohorts (gnomAD); In silico analysis supports that this missense variant does not alter protein structure/function; Has not been previously published as pathogenic or benign to our knowledge

NM_004341.5(CAD):c.3695T>C (p.Val1232Ala)

Gene: CAD (carbamoyl-phosphate synthetase 2, aspartate transcarbamylase, and dihydroorotase; plus strand). Cytogenetic location: 2p23.3.
Variant type: single nucleotide variant.
Coding change: c.3695T>C on transcript NM_004341.5 (MANE Select); coding-DNA position 3695, T replaced by C.
Protein change: p.Val1232Ala; replaces valine 1232 with alanine.
Molecular consequence: missense variant.
Genome position (GRCh38, 1-based): chr2:27,234,594, T>C. VCF-style: chr2-27234594-T-C. GRCh37 (hg19) VCF-style: chr2-27457462-T-C.
Other names: c.3506T>C, p.Val1169Ala (NM_001306079.2); short protein forms V1169A, V1232A.
Identifiers: ClinVar variation 3364907 (VCV003364907.1).
Genomic context (GRCh38, chr2:27,234,594, plus strand): 5'-TTATTGAATGCAACGTACGTGTCTCTCGCTCCTTCCCCTTCGTTTCCAAGACACTGGGTG[T>C]GGACCTAGTAGCCTTGGCCACGCGGGTCATCATGGGGGAAGAAGTGGAACCTGTGGGGCT-3'
Protein context (NP_004332.2, residues 1222-1242): SFPFVSKTLG[Val1232Ala]DLVALATRVI